The following is an entry in ClinVar:

ClinVar aggregate classification (germline): Uncertain significance. Review status: criteria provided, multiple submitters, no conflicts (2 of 4 stars). 2 submissions from 2 submitters: Uncertain significance (2). Last evaluated 2026-01-30.

Conditions:
Familial focal epilepsy with variable foci (FPEVF). Identifiers: Orphanet 98820, MedGen C1858477, MONDO:0020310.
Inborn genetic diseases. Identifiers: MedGen C0950123, MeSH D030342.

Allele frequency attached by ClinVar (database versions not stated): TOPMed 0.00002.
gnomAD v4.1: 1 of 1,613,980 alleles (0.000062%); no homozygotes.

Submissions (2):

Labcorp Genetics (formerly Invitae), Labcorp
Classification: Uncertain significance for Familial focal epilepsy with variable foci. Last evaluated: 2026-01-30. Review status: criteria provided, single submitter. Criteria: Invitae Variant Classification Sherloc (09022015). Collection method: clinical testing. Allele origin: germline.
Comment: This sequence change replaces phenylalanine, which is neutral and non-polar, with serine, which is neutral and polar, at codon 901 of the DEPDC5 protein (p.Phe901Ser). This variant is not present in population databases (gnomAD no frequency). This variant has not been reported in the literature in individuals affected with DEPDC5-related conditions. ClinVar contains an entry for this variant (Variation ID: 2976065). Experimental studies and prediction algorithms are not available or were not evaluated, and the functional significance of this variant is currently unknown. In summary, the available evidence is currently insufficient to determine the role of this variant in disease. Therefore, it has been classified as a Variant of Uncertain Significance.

Ambry Genetics
Classification: Uncertain significance for Inborn genetic diseases. Last evaluated: 2025-12-11. Review status: criteria provided, single submitter. Criteria: Ambry Variant Classification Scheme 2023. Collection method: clinical testing. Allele origin: germline.

NM_001242896.3(DEPDC5):c.2702T>C (p.Phe901Ser)

Gene: DEPDC5 (DEP domain containing 5, GATOR1 subcomplex subunit; plus strand). Cytogenetic location: 22q12.3.
Variant type: single nucleotide variant.
Coding change: c.2702T>C on transcript NM_001242896.3 (MANE Select); coding-DNA position 2702, T replaced by C.
Protein change: p.Phe901Ser; replaces phenylalanine 901 with serine.
Molecular consequence: missense variant. On other transcripts: non-coding transcript variant (5).
Genome position (GRCh38, 1-based): chr22:31,843,713, T>C. VCF-style: chr22-31843713-T-C. GRCh37 (hg19) VCF-style: chr22-32239699-T-C.
Other names: c.2675T>C, p.Phe892Ser (NM_001136029.4, NM_014662.6, NM_001369903.1); c.2468T>C, p.Phe823Ser (NM_001242897.2, NM_001363854.2, NM_001364319.2); c.2702T>C, p.Phe901Ser (NM_001363852.2, NM_001364318.2, NM_001364320.2); c.2618T>C, p.Phe873Ser (NM_001369901.1, NM_001369902.1); c.2702T>C (NM_001242896.1); short protein forms F823S, F873S, F901S, F892S.
Identifiers: ClinVar variation 2976065 (VCV002976065.4), dbSNP rs1370095674, ClinGen allele CA411289820.